The following is an entry in ClinVar:

NM_001035.3(RYR2):c.5609T>G (p.Val1870Gly)

Gene: RYR2 (ryanodine receptor 2; plus strand). Cytogenetic location: 1q43.
Variant type: single nucleotide variant.
Coding change: c.5609T>G on transcript NM_001035.3 (MANE Select); coding-DNA position 5609, T replaced by G.
Protein change: p.Val1870Gly; replaces valine 1870 with glycine.
Molecular consequence: missense variant.
Genome position (GRCh38, 1-based): chr1:237,614,737, T>G. VCF-style: chr1-237614737-T-G. GRCh37 (hg19) VCF-style: chr1-237778037-T-G.
Other names: short protein forms V1870G.
Identifiers: ClinVar variation 517173 (VCV000517173.5), dbSNP rs1553522588, ClinGen allele CA345405445.

ClinVar aggregate classification (germline): Uncertain significance (1 of 4 stars; one submission).

Allele frequency attached by ClinVar (database versions not stated): gnomAD exomes below 0.00001.
gnomAD v4.1: 1 of 1,613,956 alleles (0.000062%); highest among the groups gnomAD compares: Non-Finnish European, 0.000085%; no homozygotes.

Submission:

Laboratory for Molecular Medicine, Mass General Brigham Personalized Medicine
Classification: Uncertain significance. Last evaluated: 2016-12-08. Review status: criteria provided, single submitter. Criteria: LMM Criteria. Collection method: clinical testing. Allele origin: germline. Observed: 1 variant allele.
Comment: Variant classified as Uncertain Significance - Favor Benign. The p.Val1870Gly va riant in RYR2 has not been previously reported in individuals with cardiomyopath y and was absent from large population studies. Valine (Val) at position 1870 is not conserved in mammals or evolutionarily distant species and 1 mammal (Platyp us) carries a glycine (Gly) at this position, raising the possibility that this change may be tolerated. Additional computational prediction tools also suggest that the p.Val1870Gly variant may not impact the protein, though this informatio n is not predictive enough to rule out pathogenicity. In summary, while the clin ical significance of the p.Val1870Gly variant is uncertain, these data suggest t hat it is more likely to be benign.